The following is an entry in ClinVar:

ClinVar aggregate classification (germline): Conflicting classifications of pathogenicity. Review status: criteria provided, conflicting classifications (1 of 4 stars). 7 submissions from 7 submitters: Uncertain significance (1); Likely benign (6). Last evaluated 2026-02-04.

Conditions:
KCNJ1-related disorder. Also called: KCNJ1-related condition.
Bartter disease type 2. Also called: HYPOKALEMIC ALKALOSIS WITH HYPERCALCIURIA 2, ANTENATAL; HYPERPROSTAGLANDIN E SYNDROME 2; Bartter syndrome, type 2, antenatal. Identifiers: Orphanet 112, Orphanet 620220, MedGen C1855849, MONDO:0009424, OMIM 241200.

Allele frequency attached by ClinVar (database versions not stated): 1000 Genomes Project 0.00040; 1000 Genomes Project 30x 0.00047; ESP Exome Variant Server 0.00069; TOPMed 0.00078; ExAC 0.00084; gnomAD 0.00086 and 0.00089; gnomAD exomes 0.00087 and 0.00095.
gnomAD v4.1: 1,506 of 1,613,816 alleles (0.093%); highest among the groups gnomAD compares: Non-Finnish European, 0.11%; 1 homozygote.

Submissions (7):

Labcorp Genetics (formerly Invitae), Labcorp
Classification: Likely benign. Last evaluated: 2026-02-04. Review status: criteria provided, single submitter. Criteria: Invitae Variant Classification Sherloc (09022015). Collection method: clinical testing. Allele origin: germline.

Mayo Clinic Laboratories, Mayo Clinic
Classification: Likely benign. Last evaluated: 2025-12-18. Review status: criteria provided, single submitter. Criteria: ACMG Guidelines, 2015. Collection method: clinical testing. Allele origin: germline. Observed: 2 variant alleles.
Comment: BP4, BP7

PreventionGenetics, part of Exact Sciences
Classification: Likely benign for KCNJ1-related condition. Last evaluated: 2024-12-23. Review status: criteria provided, single submitter. Criteria: ACMG Guidelines, 2015. Collection method: clinical testing. Allele origin: germline.
Comment: This variant is classified as likely benign based on ACMG/AMP sequence variant interpretation guidelines (Richards et al. 2015 PMID: 25741868, with internal and published modifications).

Blueprint Genetics
Classification: Likely benign. Last evaluated: 2024-11-11. Review status: criteria provided, single submitter. Criteria: ACMG Guidelines, 2015. Collection method: clinical testing. Allele origin: germline.

CeGaT Center for Human Genetics Tuebingen
Classification: Likely benign. Last evaluated: 2023-04-01. Review status: criteria provided, single submitter. Criteria: CeGaT Center For Human Genetics Tuebingen Variant Classification Criteria Version 2. Collection method: clinical testing. Allele origin: germline. Affected: yes. Observed: 1 variant allele.
Comment: KCNJ1: BP4, BP7

Illumina Laboratory Services, Illumina
Classification: Uncertain significance for Bartter disease type 2. Last evaluated: 2018-01-13. Review status: criteria provided, single submitter. Criteria: ICSL Variant Classification Criteria 13 December 2019. Collection method: clinical testing. Allele origin: germline.

Athena Diagnostics
Classification: Likely benign. Last evaluated: 2017-05-08. Review status: criteria provided, single submitter. Criteria: Athena Diagnostics Criteria. Collection method: clinical testing. Allele origin: germline.

Literature cited by the submitters: PubMed 19602640 (cited by Athena Diagnostics).

NM_153766.3(KCNJ1):c.-21-2121G>A

Gene: KCNJ1 (potassium inwardly rectifying channel subfamily J member 1; minus strand). Cytogenetic location: 11q24.3.
Variant type: single nucleotide variant.
Coding change: c.-21-2121G>A on transcript NM_153766.3 (MANE Select); 2121 bases into the intron before 21 bases upstream of the start codon, G replaced by A.
Molecular consequence: intron variant. On other transcripts: synonymous variant (1).
Genome position (GRCh38, 1-based): chr11:128,842,385, C>T on the plus strand (G>A on the coding strand, the complement: KCNJ1 is on the minus strand). VCF-style: chr11-128842385-C-T. GRCh37 (hg19) VCF-style: chr11-128712280-C-T.
Other names: p.Thr11=; c.33G>A (NM_000220.5); c.33G>A, p.Thr11= (NM_000220.6); c.-21-2121G>A (NM_153764.3, NM_153767.4); c.31-2121G>A (NM_153765.3).
Identifiers: ClinVar variation 447631 (VCV000447631.42), dbSNP rs147611594, ClinGen allele CA6357616.